The following is an entry in ClinVar:

ClinVar aggregate classification (germline): Uncertain significance. Review status: criteria provided, multiple submitters, no conflicts (2 of 4 stars). 2 submissions from 2 submitters: Uncertain significance (2). Last evaluated 2025-12-09.

Conditions:
Hereditary cancer-predisposing syndrome. Also called: Hereditary neoplastic syndrome; Neoplastic Syndromes, Hereditary; Tumor predisposition; Hereditary Cancer Syndrome. Identifiers: Orphanet 140162, MedGen C0027672, MeSH D009386, MONDO:0015356.
Hereditary breast ovarian cancer syndrome. Also called: Hereditary breast and ovarian cancer syndrome; BRCA1- and BRCA2-Associated Hereditary Breast and Ovarian Cancer; Hereditary breast and ovarian cancer; Hereditary breast and ovarian cancer syndrome (HBOC); Breast and ovarian cancer; Hereditary breast and/or ovarian cancer syndrome. Identifiers: Orphanet 145, MedGen C0677776, MeSH D061325, MONDO:0003582. Disease mechanism: loss of function.

gnomAD v4.1: 3 of 1,613,140 alleles (0.00019%); highest among the groups gnomAD compares: Non-Finnish European, 0.00025%; no homozygotes.

Submissions (2):

Labcorp Genetics (formerly Invitae), Labcorp
Classification: Uncertain significance for Hereditary breast ovarian cancer syndrome. Last evaluated: 2025-12-09. Review status: criteria provided, single submitter. Criteria: Invitae Variant Classification Sherloc (09022015). Collection method: clinical testing. Allele origin: germline.
Comment: This sequence change replaces proline, which is neutral and non-polar, with glutamine, which is neutral and polar, at codon 168 of the BRCA2 protein (p.Pro168Gln). This variant is not present in population databases (gnomAD no frequency). This variant has not been reported in the literature in individuals affected with BRCA2-related conditions. ClinVar contains an entry for this variant (Variation ID: 3825484). Invitae Evidence Modeling of protein sequence and biophysical properties (such as structural, functional, and spatial information, amino acid conservation, physicochemical variation, residue mobility, and thermodynamic stability) indicates that this missense variant is not expected to disrupt BRCA2 protein function with a negative predictive value of 95%. In summary, the available evidence is currently insufficient to determine the role of this variant in disease. Therefore, it has been classified as a Variant of Uncertain Significance.

Ambry Genetics
Classification: Uncertain significance for Hereditary cancer-predisposing syndrome. Last evaluated: 2025-03-07. Review status: criteria provided, single submitter. Criteria: Ambry Variant Classification Scheme 2023. Collection method: clinical testing. Allele origin: germline.
Comment: The p.P168Q variant (also known as c.503C>A), located in coding exon 5 of the BRCA2 gene, results from a C to A substitution at nucleotide position 503. The proline at codon 168 is replaced by glutamine, an amino acid with similar properties. This amino acid position is conserved. In addition, the in silico prediction for this alteration is inconclusive. Based on the available evidence, the clinical significance of this variant remains unclear.

NM_000059.4(BRCA2):c.503C>A (p.Pro168Gln)

Gene: BRCA2 (BRCA2 DNA repair associated; plus strand). Cytogenetic location: 13q13.1.
Variant type: single nucleotide variant.
Coding change: c.503C>A on transcript NM_000059.4 (MANE Select); coding-DNA position 503, C replaced by A.
Protein change: p.Pro168Gln; replaces proline 168 with glutamine.
Molecular consequence: missense variant. On other transcripts: non-coding transcript variant (1).
Genome position (GRCh38, 1-based): chr13:32,326,269, C>A. VCF-style: chr13-32326269-C-A. GRCh37 (hg19) VCF-style: chr13-32900406-C-A.
Other names: c.503C>A, p.Pro168Gln (NM_001406719.1, NM_001406720.1, NM_001406721.1 and 1 more transcripts); c.134C>A, p.Pro45Gln (NM_001406722.1); short protein forms P168Q, P45Q.
Identifiers: ClinVar variation 3825484 (VCV003825484.2).